The following is an entry in ClinVar:

ClinVar aggregate classification (germline): Uncertain significance (1 of 4 stars; one submission).

Conditions:
Ehlers-Danlos syndrome, classic type, 1 (EDSCL1). Also called: EHLERS-DANLOS SYNDROME, GRAVIS TYPE; EHLERS-DANLOS SYNDROME, SEVERE CLASSIC TYPE; Ehlers-Danlos syndrome, type 1; Ehlers-Danlos Syndrome, Classic Type, COL5A1-Related; EDS I. Identifiers: MedGen C0268335, MONDO:0019567, OMIM 130000.

Submission:

Labcorp Genetics (formerly Invitae), Labcorp
Classification: Uncertain significance for Ehlers-Danlos syndrome, classic type, 1. Last evaluated: 2025-03-20. Review status: criteria provided, single submitter. Criteria: Invitae Variant Classification Sherloc (09022015). Collection method: clinical testing. Allele origin: germline.
Comment: This sequence change replaces arginine, which is basic and polar, with serine, which is neutral and polar, at codon 663 of the COL5A1 protein (p.Arg663Ser). This variant also falls at the last nucleotide of exon 19, which is part of the consensus splice site for this exon. This variant is not present in population databases (gnomAD no frequency). This variant has not been reported in the literature in individuals affected with COL5A1-related conditions. An algorithm developed to predict the effect of missense changes on protein structure and function (PolyPhen-2) suggests that this variant is likely to be disruptive. Variants that disrupt the consensus splice site are a relatively common cause of aberrant splicing (PMID: 17576681, 9536098). In summary, the available evidence is currently insufficient to determine the role of this variant in disease. Therefore, it has been classified as a Variant of Uncertain Significance.

Literature cited by the submitters: PubMed 17576681; PubMed 9536098.

NM_000093.5(COL5A1):c.1989G>T (p.Arg663Ser)

Gene: COL5A1 (collagen type V alpha 1 chain; plus strand). Cytogenetic location: 9q34.3.
Variant type: single nucleotide variant.
Coding change: c.1989G>T on transcript NM_000093.5 (MANE Select); coding-DNA position 1989, G replaced by T.
Protein change: p.Arg663Ser; replaces arginine 663 with serine.
Molecular consequence: missense variant.
Genome position (GRCh38, 1-based): chr9:134,761,978, G>T. VCF-style: chr9-134761978-G-T. GRCh37 (hg19) VCF-style: chr9-137653824-G-T.
Other names: c.1989G>T, p.Arg663Ser (NM_001278074.1); short protein forms R663S.
Identifiers: ClinVar variation 4752204 (VCV004752204.1).
Genomic context (GRCh38, chr9:134,761,978, plus strand): 5'-TTCCTAGGGTGACCCTGGTCCTTCCGGCCCACCAGGACCTCCGGGAGACGATGGAGAAAG[G>T]GTAGGTATTCTGCCGTCCCTCCGACTGCTCCTGCCTGCCCTACTCCTCAGTGATTTGGGC-3'
Protein context (NP_000084.3, residues 653-673): PPGPPGDDGE[Arg663Ser]GDDGEVGPRG